The following is an entry in ClinVar:

NM_032444.4(SLX4):c.421G>T (p.Gly141Trp)

Gene: SLX4 (SLX4 structure-specific endonuclease subunit; minus strand). Cytogenetic location: 16p13.3.
Variant type: single nucleotide variant.
Coding change: c.421G>T on transcript NM_032444.4 (MANE Select); coding-DNA position 421, G replaced by T.
Protein change: p.Gly141Trp; replaces glycine 141 with tryptophan.
Molecular consequence: missense variant.
Genome position (GRCh38, 1-based): chr16:3,608,544, C>A on the plus strand (G>T on the coding strand, the complement: SLX4 is on the minus strand). VCF-style: chr16-3608544-C-A. GRCh37 (hg19) VCF-style: chr16-3658545-C-A.
Other names: c.421G>T (LRG_503t1); short protein forms G141W.
Identifiers: ClinVar variation 241689 (VCV000241689.64), dbSNP rs137976282, ClinGen allele CA7866881.
Genomic context (GRCh38, chr16:3,608,544, plus strand): 5'-GGGTGTTTTGTGCTGTTTCCCGGAGCACAGGTGGATCTGGAGCAGAGGCAAGCACACCCC[C>A]CTCCCCATTCACAGAGTGGGCCGGTTCACTTGCTTGCCATTTGGTTACCCTTTGCTTTTT-3'
Protein context (NP_115820.2, residues 131-151): SEPAHSVNGE[Gly141Trp]GVLASAPDPP

ClinVar aggregate classification (germline): Conflicting classifications of pathogenicity. Review status: criteria provided, conflicting classifications (1 of 4 stars). 16 submissions from 16 submitters: Uncertain significance (11); Likely benign (3). 2 of the submissions do not count toward it. Last evaluated 2026-10-20.

Conditions:
Hereditary breast ovarian cancer syndrome. Also called: Hereditary breast and ovarian cancer; Hereditary breast and ovarian cancer syndrome; Hereditary breast and ovarian cancer syndrome (HBOC); Breast and ovarian cancer; Hereditary breast and/or ovarian cancer syndrome; BRCA1- and BRCA2-Associated Hereditary Breast and Ovarian Cancer. Identifiers: Orphanet 145, MedGen C0677776, MeSH D061325, MONDO:0003582. Disease mechanism: loss of function.
Fanconi anemia complementation group P. Also called: SLX4-Related Fanconi Anemia. Identifiers: Orphanet 84, MedGen C3469542, MONDO:0013499, OMIM 613951.
Fanconi anemia (FA). Also called: Fanconi's anemia. Identifiers: Orphanet 84, MedGen C0015625, MeSH D005199, MONDO:0019391.
Fanconi anemia complementation group A (FANCA). Also called: FANCA-Related Fanconi Anemia; Fanconi anemia, group A. Identifiers: Orphanet 84, MedGen C3469521, MONDO:0009215, OMIM 227650.
Malignant tumor of breast. Also called: Cancer breast; Malignant breast neoplasm. Identifiers: MedGen C0006142, MONDO:0007254. Disease mechanism: loss of function.

Allele frequency attached by ClinVar (database versions not stated): 1000 Genomes Project 30x 0.00031; 1000 Genomes Project 0.00040; TOPMed 0.00065; ESP Exome Variant Server 0.00077.
gnomAD v4.1: 1,307 of 1,614,190 alleles (0.081%); highest among the groups gnomAD compares: Middle Eastern, 0.13%; 1 homozygote.

Submissions (16):

GeneDx
Classification: Uncertain significance. Last evaluated: 2026-10-20. Review status: criteria provided, single submitter. Criteria: GeneDx Variant Classification Process June 2021. Collection method: clinical testing. Allele origin: germline.
Comment: Identified in the compound heterozygous state in two siblings with pre-B acute lymphoblastic leukemia; however, these individuals also harbored variants in other genes that may be related to their condition (PMID: 26201965); In silico analysis suggests that this missense variant does not alter protein structure/function; This variant is associated with the following publications: (PMID: 23840564, 23211700, 22401137, 30995915, 33558524, 28202063, 28717660, 22383991, 29970176, 22911665, 26201965, 40914252, 40113133, 25356899)

CeGaT Center for Human Genetics Tuebingen
Classification: Likely benign. Last evaluated: 2026-09-01. Review status: criteria provided, single submitter. Criteria: CeGaT Center For Human Genetics Tuebingen Variant Classification Criteria Version 2. Collection method: clinical testing. Allele origin: germline. Affected: yes. Observed: 6 variant alleles.
Comment: SLX4: BP4

Labcorp Genetics (formerly Invitae), Labcorp
Classification: Likely benign for Fanconi anemia. Last evaluated: 2026-01-29. Review status: criteria provided, single submitter. Criteria: Invitae Variant Classification Sherloc (09022015). Collection method: clinical testing. Allele origin: germline.

Dasa
Classification: Uncertain significance. Last evaluated: 2025-11-17. Review status: criteria provided, single submitter. Criteria: DASA Assertion Criteria. Collection method: clinical testing. Allele origin: germline.
Comment: NM_032444.4(SLX4):c.421G>T (p.Gly141Trp) is a missense variant that results in the substitution of glycine with tryptophan. This variant is rare in population databases. Computational prediction algorithms are consistent with a benign effect. The currently available literature and clinical evidence are not sufficient to establish a definitive association between this variant and the reported condition. Therefore, this variant is classified as a variant of uncertain significance.

ARUP Laboratories, Molecular Genetics and Genomics, ARUP Laboratories
Classification: Likely benign for Fanconi anemia complementation group P. Last evaluated: 2025-04-16. Review status: criteria provided, single submitter. Criteria: ARUP Molecular Germline Variant Investigation Process 2024. Collection method: clinical testing. Allele origin: germline.

Blueprint Genetics
Classification: Uncertain significance. Last evaluated: 2024-10-10. Review status: criteria provided, single submitter. Criteria: ACMG Guidelines, 2015. Collection method: clinical testing. Allele origin: germline.

Laboratorio de Genetica e Diagnostico Molecular, Hospital Israelita Albert Einstein
Classification: Uncertain significance for Hereditary breast ovarian cancer syndrome. Last evaluated: 2023-07-17. Review status: criteria provided, single submitter. Criteria: ACMG Guidelines, 2015. Collection method: clinical testing. Allele origin: germline. Affected: yes.
Comment: ACMG classification criteria: BP4.

Institute for Clinical Genetics, University Hospital TU Dresden, University Hospital TU Dresden
Classification: Uncertain significance. Last evaluated: 2021-11-03. Review status: criteria provided, single submitter. Criteria: ACMG Guidelines, 2015. Collection method: clinical testing. Allele origin: germline.

Sema4
Classification: Uncertain significance for Fanconi anemia. Last evaluated: 2021-10-25. Review status: criteria provided, single submitter. Criteria: Sema4 Curation Guidelines. Collection method: curation. Allele origin: germline.
Comment: The SLX4 c.421G>T (p.G141W) variant has been reported as heterozygous in individuals with breast cancer (PMID: 23211700, 22401137, 28202063, 23840564) and in the compound heterozygous state in two siblings with childhood acute lymphoblastic leukemia (PMID: 26201965). However, the variant was also observed in controls (PMID: 23211700, 22401137). In at least two breast cancer cases, another pathogenic variant was also present which are more likely to explain the disease phenotype (PMID: 23211700, 28202063). This variant was observed in 14/10370 chromosomes in the Ashkenazi Jewish subpopulation, with no homozygotes, in the large and broad cohorts of the Genome Aggregation Database (PMID: 32461654). The variant has been reported in ClinVar (Variation ID 241689). In silico tools suggest the impact of the variant on protein function is benign, though these predictions have not been confirmed by functional studies. There is no indication that this variant causes disease, but the evidence is insufficient currently to prove that conclusively. Thus, the clinical significance of this variant is currently uncertain.

Mendelics
Classification: Uncertain significance for Fanconi anemia complementation group A. Last evaluated: 2019-05-28. Review status: criteria provided, single submitter. Criteria: Mendelics Assertion Criteria 2017. Collection method: clinical testing. Allele origin: unknown.

Baylor Genetics
Classification: Uncertain significance for Fanconi anemia complementation group P. Last evaluated: 2018-12-17. Review status: criteria provided, single submitter. Criteria: ACMG Guidelines, 2015. Collection method: clinical testing. Allele origin: maternal. Affected: yes. Study: CSER-TexasKidsCanSeq.
Comment: This variant was determined to be of uncertain significance according to ACMG Guidelines, 2015 [PMID:25741868]. The c.421G>T (p.G141W) variant has been previously reported in patients with breast cancer [PMID 23211700, 23840564]

Fulgent Genetics
Classification: Uncertain significance for Fanconi anemia complementation group P. Last evaluated: 2018-10-31. Review status: criteria provided, single submitter. Criteria: ACMG Guidelines, 2015. Collection method: clinical testing. Allele origin: unknown.

Genetic Services Laboratory, University of Chicago
Classification: Uncertain significance. Last evaluated: 2018-06-05. Review status: criteria provided, single submitter. Criteria: ACMG Guidelines, 2015. Collection method: clinical testing. Allele origin: germline. Affected: no.

Illumina Laboratory Services, Illumina
Classification: Uncertain significance for Fanconi anemia complementation group P. Last evaluated: 2017-04-27. Review status: criteria provided, single submitter. Criteria: ICSL Variant Classification Criteria 13 December 2019. Collection method: clinical testing. Allele origin: germline.
Comment: This variant was observed as part of a predisposition screen in an ostensibly healthy population. A literature search was performed for the gene, cDNA change, and amino acid change (where applicable). Publications were found based on this search. However, the evidence from the literature, in combination with allele frequency data from public databases where available, was not sufficient to rule this variant in or out of causing disease. Therefore, this variant is classified as a variant of unknown significance.

Center of Medical Genetics and Primary Health Care
Classification: Uncertain significance for Breast Cancer. Last evaluated: 2020-04-08. Review status: no assertion criteria provided. Collection method: research. Allele origin: germline. Affected: yes. Observed: 1 heterozygote. Not counted in ClinVar's aggregate classification.
Comment: ACMG Guidelines 2015 criteria BS1 Benign Strong: GnomAD exomes allele frequency = 0.000819 > 0.000165 derived from the 555 clinically reported variants in gene SLX4 of which 19 pathogenic, 288 uncertain significance and 248 benign. BP1 Benign Supporting: 92 out of 92 non-VUS missense variants in gene SLX4 are benign = 100.0% > threshold of 51.0%, and 248 out of 555 clinically reported variants in gene SLX4 are benign = 44.7% > threshold of 24.0%. BP4 Benign Supporting: 9 benign predictions from DANN, DEOGEN2, EIGEN, FATHMM-MKL, MVP, MutationAssessor, MutationTaster, PrimateAI and REVEL vs 4 pathogenic predictions from M-CAP, SIFT, PolyPhen-2, Align-GVGD and the position is not conserved. BP6 Benign Supporting: UniProt classifies this variant as polymorphism. This variant has been reported in individuals affected with breast cancer, childhood acute lymphoblastic leukemia, and unspecified cancer types (PMID: 23211700, 23840564, 28202063, 22401137, 26201965, 28717660). Therefore, this variant was classified as a Variant of Unknown Significance.

Leiden Open Variation Database
Classification: Likely benign. Last evaluated: 2012-08-31. Review status: no assertion criteria provided. Collection method: curation. Allele origin: germline. Affected: yes. Not counted in ClinVar's aggregate classification.
Comment: Curator: Arleen D. Auerbach. Submitter to LOVD: Janine Bakker.

Literature cited by the submitters: PubMed 23211700 (cited by 3 submitters); PubMed 22401137 (cited by Sema4 and Illumina Laboratory Services, Illumina); PubMed 28202063 (cited by Sema4); PubMed 23840564 (cited by 3 submitters); PubMed 26201965 (cited by Sema4 and Illumina Laboratory Services, Illumina); PubMed 22911665 (cited by Leiden Open Variation Database).